The following is an entry in ClinVar:

ClinVar aggregate classification (germline): Pathogenic (1 of 4 stars; one submission).

Conditions:
Leber congenital amaurosis 9 (LCA9). Also called: LCA 9; Amaurosis congenita of Leber, type 9; LCA9 Leber Congenital Amaurosis. Identifiers: Orphanet 65, MedGen C1837873, MONDO:0012056, OMIM 608553.

Submission:

Labcorp Genetics (formerly Invitae), Labcorp
Classification: Pathogenic for Leber congenital amaurosis 9. Last evaluated: 2017-04-15. Review status: criteria provided, single submitter. Criteria: Invitae Variant Classification Sherloc (09022015). Collection method: clinical testing. Allele origin: germline.
Comment: This variant is a gross deletion of the genomic region encompassing exons 4-5 of the NMNAT1 gene. The 5' boundary is likely confined to intron 3. The 3' end of this event is unknown as it extends through the termination codon beyond the assayed region for this gene and may encompass additional genes. While this deletion is not anticipated to result in nonsense mediated decay, it is expected to create a truncated protein product or disrupt mRNA translation. Gross deletions encompassing the same coding exons in the NMNAT1 gene have been reported in 2 families affected with Leber congenital amaurosis (PMID: 26316326). For these reasons, this variant has been classified as Pathogenic.

NC_000001.11:g.(?_9981011)_(9982721_?)del

Gene: NMNAT1 (nicotinamide nucleotide adenylyltransferase 1; plus strand). Cytogenetic location: 1p36.22.
Variant type: Deletion.
Identifiers: ClinVar variation 464669 (VCV000464669.1).